The following is an entry in ClinVar:

ClinVar aggregate classification (germline): Uncertain significance (1 of 4 stars; one submission).

Submission:

Labcorp Genetics (formerly Invitae), Labcorp
Classification: Uncertain significance. Last evaluated: 2021-12-23. Review status: criteria provided, single submitter. Criteria: Invitae Variant Classification Sherloc (09022015). Collection method: clinical testing. Allele origin: germline.
Comment: In summary, the available evidence is currently insufficient to determine the role of this variant in disease. Therefore, it has been classified as a Variant of Uncertain Significance. Algorithms developed to predict the effect of missense changes on protein structure and function output the following: SIFT: "Deleterious"; PolyPhen-2: "Benign"; Align-GVGD: "Class C35". The serine amino acid residue is found in multiple mammalian species, which suggests that this missense change does not adversely affect protein function. This variant has not been reported in the literature in individuals affected with A2ML1-related conditions. This variant is not present in population databases (gnomAD no frequency). This sequence change replaces leucine, which is neutral and non-polar, with serine, which is neutral and polar, at codon 493 of the A2ML1 protein (p.Leu493Ser).

NM_144670.6(A2ML1):c.1478T>C (p.Leu493Ser)

Gene: A2ML1 (alpha-2-macroglobulin like 1; plus strand). Cytogenetic location: 12p13.31.
Variant type: single nucleotide variant.
Coding change: c.1478T>C on transcript NM_144670.6 (MANE Select); coding-DNA position 1478, T replaced by C.
Protein change: p.Leu493Ser; replaces leucine 493 with serine.
Molecular consequence: missense variant.
Genome position (GRCh38, 1-based): chr12:8,845,443, T>C. VCF-style: chr12-8845443-T-C. GRCh37 (hg19) VCF-style: chr12-8998039-T-C.
Other names: c.5T>C, p.Leu2Ser (NM_001282424.3); short protein forms L2S, L493S.
Identifiers: ClinVar variation 1375267 (VCV001375267.6), dbSNP rs2136829726, ClinGen allele CA383826712.